The following is an entry in ClinVar:

NM_001006658.3(CR2):c.668A>G (p.Asn223Ser)

Gene: CR2 (complement C3d receptor 2; plus strand). Cytogenetic location: 1q32.2.
Variant type: single nucleotide variant.
Coding change: c.668A>G on transcript NM_001006658.3 (MANE Select); coding-DNA position 668, A replaced by G.
Protein change: p.Asn223Ser; replaces asparagine 223 with serine.
Molecular consequence: missense variant.
Genome position (GRCh38, 1-based): chr1:207,468,833, A>G. VCF-style: chr1-207468833-A-G. GRCh37 (hg19) VCF-style: chr1-207642178-A-G.
Other names: c.668A>G, p.Asn223Ser (NM_001877.5); short protein forms N223S.
Identifiers: ClinVar variation 571625 (VCV000571625.11), dbSNP rs374710389, ClinGen allele CA1368507.

ClinVar aggregate classification (germline): Uncertain significance. Review status: criteria provided, multiple submitters, no conflicts (2 of 4 stars). 4 submissions from 4 submitters: Uncertain significance (4). Last evaluated 2026-06-07.

Conditions:
Inborn genetic diseases. Identifiers: MedGen C0950123, MeSH D030342.
CR2-related disorder. Also called: CR2-related disorders; CR2-related condition.
Immunodeficiency, common variable, 7. Identifiers: Orphanet 1572, Orphanet 696894, MedGen C3542922, MONDO:0013862, OMIM 614699.

Allele frequency attached by ClinVar (database versions not stated): gnomAD 0.00001; ExAC 0.00002; gnomAD exomes 0.00002; TOPMed 0.00004; ESP Exome Variant Server 0.00008.
gnomAD v4.1: 30 of 1,613,882 alleles (0.0019%); highest among the groups gnomAD compares: African/African-American, 0.0027%; no homozygotes.

Submissions (4):

PreventionGenetics, part of Exact Sciences
Classification: Uncertain significance for CR2-related condition. Last evaluated: 2026-06-07. Review status: criteria provided, single submitter. Criteria: ACMG Guidelines, 2015. Collection method: clinical testing. Allele origin: germline.
Comment: The CR2 c.668A>G variant is predicted to result in the amino acid substitution p.Asn223Ser. To our knowledge, this variant has not been reported in the literature in individuals with CR2-related disease. This variant is reported in 0.0040% of alleles in individuals of African descent in gnomAD. At this time, the clinical significance of this variant is uncertain due to the absence of conclusive functional and genetic evidence.

Blueprint Genetics
Classification: Uncertain significance. Last evaluated: 2024-11-21. Review status: criteria provided, single submitter. Criteria: ACMG Guidelines, 2015. Collection method: clinical testing. Allele origin: germline.

Ambry Genetics
Classification: Uncertain significance for Inborn genetic diseases. Last evaluated: 2023-11-09. Review status: criteria provided, single submitter. Criteria: Ambry Variant Classification Scheme 2023. Collection method: clinical testing. Allele origin: germline.

Labcorp Genetics (formerly Invitae), Labcorp
Classification: Uncertain significance for Immunodeficiency, common variable, 7. Last evaluated: 2023-10-13. Review status: criteria provided, single submitter. Criteria: Invitae Variant Classification Sherloc (09022015). Collection method: clinical testing. Allele origin: germline.
Comment: This sequence change replaces asparagine, which is neutral and polar, with serine, which is neutral and polar, at codon 223 of the CR2 protein (p.Asn223Ser). This variant is present in population databases (rs374710389, gnomAD 0.006%). This variant has not been reported in the literature in individuals affected with CR2-related conditions. ClinVar contains an entry for this variant (Variation ID: 571625). An algorithm developed to predict the effect of missense changes on protein structure and function (PolyPhen-2) suggests that this variant is likely to be disruptive. In summary, the available evidence is currently insufficient to determine the role of this variant in disease. Therefore, it has been classified as a Variant of Uncertain Significance.